The following is an entry in ClinVar:

NM_006361.6(HOXB13):c.601+7C>G

Gene: HOXB13 (homeobox B13; minus strand). Cytogenetic location: 17q21.32.
Variant type: single nucleotide variant.
Coding change: c.601+7C>G on transcript NM_006361.6 (MANE Select); 7 bases into the intron after coding-DNA position 601, C replaced by G.
Molecular consequence: intron variant.
Genome position (GRCh38, 1-based): chr17:48,727,986, G>C on the plus strand (C>G on the coding strand, the complement: HOXB13 is on the minus strand). VCF-style: chr17-48727986-G-C. GRCh37 (hg19) VCF-style: chr17-46805348-G-C.
Identifiers: ClinVar variation 1104416 (VCV001104416.14), dbSNP rs752322954, ClinGen allele CA8633960.

ClinVar aggregate classification (germline): Conflicting classifications of pathogenicity. Review status: criteria provided, conflicting classifications (1 of 4 stars). 5 submissions from 5 submitters: Uncertain significance (1); Likely benign (4). Last evaluated 2025-10-25.

Conditions:
Prostate cancer, hereditary, 9 (HPC9). Identifiers: Orphanet 1331, MedGen C1970250, MONDO:0012597, OMIM 610997.
Hereditary cancer-predisposing syndrome. Also called: Neoplastic Syndromes, Hereditary; Hereditary Cancer Syndrome; Hereditary neoplastic syndrome; Tumor predisposition. Identifiers: Orphanet 140162, MedGen C0027672, MeSH D009386, MONDO:0015356.
Prostate cancer. Also called: Malignant tumor of prostate. Identifiers: Orphanet 1331, MedGen C0376358, MONDO:0008315, HP:0012125.

gnomAD v4.1: 58 of 1,612,638 alleles (0.0036%); highest among the groups gnomAD compares: Non-Finnish European, 0.0048%; no homozygotes.

Submissions (5):

Labcorp Genetics (formerly Invitae), Labcorp
Classification: Likely benign. Last evaluated: 2025-10-25. Review status: criteria provided, single submitter. Criteria: Invitae Variant Classification Sherloc (09022015). Collection method: clinical testing. Allele origin: germline.

Quest Diagnostics Nichols Institute San Juan Capistrano
Classification: Likely benign. Last evaluated: 2025-05-05. Review status: criteria provided, single submitter. Criteria: Quest Diagnostics criteria. Collection method: clinical testing. Allele origin: unknown.

Myriad Genetics, Inc.
Classification: Likely benign for Prostate cancer, hereditary, 9. Last evaluated: 2024-10-30. Review status: criteria provided, single submitter. Criteria: Myriad Autosomal Dominant, Autosomal Recessive and X-Linked Classification Criteria (2023). Collection method: clinical testing. Allele origin: unknown.
Comment: This variant is considered likely benign. This variant is intronic and is not expected to impact mRNA splicing.

Department of Pathology and Laboratory Medicine, Sinai Health System
Classification: Likely benign for prostate cancer. Last evaluated: 2024-04-10. Review status: criteria provided, single submitter. Criteria: ACMG Guidelines, 2015. Collection method: clinical testing. Allele origin: germline. Affected: no.

Sema4
Classification: Uncertain significance for Hereditary cancer-predisposing syndrome. Last evaluated: 2021-07-16. Review status: criteria provided, single submitter. Criteria: Sema4 Curation Guidelines. Collection method: curation. Allele origin: germline.
Comment: The HOXB13 c.601+7C>G variant has not been reported in the literature to our knowledge. It was observed in 1/112310 chromosomes of the Non-Finnish European subpopulation in the Genome Aggregation Database. The variant has been reported in ClinVar (Variation ID 1104416). In silico tools suggest that the variant does not impact splicing, though these predictions have not been confirmed by functional studies.